The following is an entry in ClinVar:

ClinVar aggregate classification (germline): Uncertain significance. Review status: criteria provided, multiple submitters, no conflicts (2 of 4 stars). 2 submissions from 2 submitters: Uncertain significance (2). Last evaluated 2023-05-21.

Conditions:
Hereditary cancer-predisposing syndrome. Also called: Hereditary neoplastic syndrome; Hereditary Cancer Syndrome; Tumor predisposition; Neoplastic Syndromes, Hereditary. Identifiers: Orphanet 140162, MedGen C0027672, MeSH D009386, MONDO:0015356.
Familial adenomatous polyposis 1 (FAP1). Also called: POLYPOSIS, ADENOMATOUS INTESTINAL; FAMILIAL ADENOMATOUS POLYPOSIS 1, ATTENUATED. Identifiers: MedGen C2713442, MONDO:0021056, OMIM 175100. Disease mechanism: loss of function.

Allele frequency attached by ClinVar (database versions not stated): gnomAD exomes below 0.00001.

Submissions (2):

Ambry Genetics
Classification: Uncertain significance for Hereditary cancer-predisposing syndrome. Last evaluated: 2023-05-21. Review status: criteria provided, single submitter. Criteria: Ambry Variant Classification Scheme 2023. Collection method: clinical testing. Allele origin: germline.
Comment: The p.T1368I variant (also known as c.4103C>T), located in coding exon 15 of the APC gene, results from a C to T substitution at nucleotide position 4103. The threonine at codon 1368 is replaced by isoleucine, an amino acid with similar properties. This amino acid position is conserved. In addition, in silico predictors for this gene do not accurately predict pathogenicity. Since supporting evidence is limited at this time, the clinical significance of this alteration remains unclear.

Labcorp Genetics (formerly Invitae), Labcorp
Classification: Uncertain significance for Familial adenomatous polyposis 1. Last evaluated: 2022-07-11. Review status: criteria provided, single submitter. Criteria: Invitae Variant Classification Sherloc (09022015). Collection method: clinical testing. Allele origin: germline.
Comment: This sequence change replaces threonine, which is neutral and polar, with isoleucine, which is neutral and non-polar, at codon 1368 of the APC protein (p.Thr1368Ile). In summary, the available evidence is currently insufficient to determine the role of this variant in disease. Therefore, it has been classified as a Variant of Uncertain Significance. Algorithms developed to predict the effect of missense changes on protein structure and function are either unavailable or do not agree on the potential impact of this missense change (SIFT: "Tolerated"; PolyPhen-2: "Probably Damaging"; Align-GVGD: "Class C0"). This variant has not been reported in the literature in individuals affected with APC-related conditions. This variant is not present in population databases (gnomAD no frequency).

NM_000038.6(APC):c.4103C>T (p.Thr1368Ile)

Gene: APC (APC regulator of Wnt signaling pathway; plus strand). Cytogenetic location: 5q22.2.
Variant type: single nucleotide variant.
Coding change: c.4103C>T on transcript NM_000038.6 (MANE Select); coding-DNA position 4103, C replaced by T.
Protein change: p.Thr1368Ile; replaces threonine 1368 with isoleucine.
Molecular consequence: missense variant.
Genome position (GRCh38, 1-based): chr5:112,839,697, C>T. VCF-style: chr5-112839697-C-T. GRCh37 (hg19) VCF-style: chr5-112175394-C-T.
Other names: c.4103C>T, p.Thr1368Ile (NM_001127510.3, NM_001354895.2, NM_001407450.1); c.4049C>T, p.Thr1350Ile (NM_001127511.3); c.4157C>T, p.Thr1386Ile (NM_001354896.2, NM_001407447.1, NM_001407448.1 and 1 more transcripts); c.4133C>T, p.Thr1378Ile (NM_001354897.2); c.4028C>T, p.Thr1343Ile (NM_001354898.2); c.4019C>T, p.Thr1340Ile (NM_001354899.2); c.3980C>T, p.Thr1327Ile (NM_001354900.2); c.3926C>T, p.Thr1309Ile (NM_001354901.2, NM_001407453.1); and 12 more; short protein forms T1208I, T1239I, T1309I, T1327I, T1343I, T1358I, T1386I, T1085I.
Identifiers: ClinVar variation 2131808 (VCV002131808.6), dbSNP rs2149906555, ClinGen allele CA16030319.